The following is an entry in ClinVar:

NM_000587.4(C7):c.1072A>G (p.Asn358Asp)

Gene: C7 (complement C7; plus strand). Cytogenetic location: 5p13.1.
Variant type: single nucleotide variant.
Coding change: c.1072A>G on transcript NM_000587.4 (MANE Select); coding-DNA position 1072, A replaced by G.
Protein change: p.Asn358Asp; replaces asparagine 358 with aspartic acid.
Molecular consequence: missense variant.
Genome position (GRCh38, 1-based): chr5:40,949,993, A>G. VCF-style: chr5-40949993-A-G. GRCh37 (hg19) VCF-style: chr5-40950095-A-G.
Other names: short protein forms N358D.
Identifiers: ClinVar variation 1351763 (VCV001351763.5), dbSNP rs142435483, ClinGen allele CA3249824.

ClinVar aggregate classification (germline): Uncertain significance (1 of 4 stars; one submission).

Allele frequency attached by ClinVar (database versions not stated): gnomAD exomes 0.00001; gnomAD 0.00002 and 0.00003; TOPMed 0.00002; ExAC 0.00006; 1000 Genomes Project 30x 0.00031; 1000 Genomes Project 0.00040.
gnomAD v4.1: 16 of 1,593,002 alleles (0.001%); highest among the groups gnomAD compares: African/African-American, 0.0013%; no homozygotes.

Submission:

Labcorp Genetics (formerly Invitae), Labcorp
Classification: Uncertain significance. Last evaluated: 2022-08-01. Review status: criteria provided, single submitter. Criteria: Invitae Variant Classification Sherloc (09022015). Collection method: clinical testing. Allele origin: germline.
Comment: This sequence change replaces asparagine, which is neutral and polar, with aspartic acid, which is acidic and polar, at codon 358 of the C7 protein (p.Asn358Asp). This variant is present in population databases (rs142435483, gnomAD 0.004%). This variant has not been reported in the literature in individuals affected with C7-related conditions. ClinVar contains an entry for this variant (Variation ID: 1351763). Algorithms developed to predict the effect of missense changes on protein structure and function output the following: SIFT: "Tolerated"; PolyPhen-2: "Benign"; Align-GVGD: "Class C0". The aspartic acid amino acid residue is found in multiple mammalian species, which suggests that this missense change does not adversely affect protein function. In summary, the available evidence is currently insufficient to determine the role of this variant in disease. Therefore, it has been classified as a Variant of Uncertain Significance.